The following is an entry in ClinVar:

NM_000574.5(CD55):c.1070G>A (p.Arg357His)

Gene: CD55 (CD55 molecule (Cromer blood group); plus strand). Cytogenetic location: 1q32.2.
Variant type: single nucleotide variant.
Coding change: c.1070G>A on transcript NM_000574.5 (MANE Select); coding-DNA position 1070, G replaced by A.
Protein change: p.Arg357His; replaces arginine 357 with histidine.
Molecular consequence: missense variant. On other transcripts: non-coding transcript variant (1).
Genome position (GRCh38, 1-based): chr1:207,339,406, G>A. VCF-style: chr1-207339406-G-A. GRCh37 (hg19) VCF-style: chr1-207512751-G-A.
Other names: c.1070G>A, p.Arg357His (NM_001114752.3, NM_001300902.2, NM_001300903.2 and 1 more transcripts); short protein forms R357H.
Identifiers: ClinVar variation 1697180 (VCV001697180.4), dbSNP rs148720717, ClinGen allele CA1368202.

ClinVar aggregate classification (germline): Uncertain significance. Review status: criteria provided, multiple submitters, no conflicts (2 of 4 stars). 2 submissions from 2 submitters: Uncertain significance (2). Last evaluated 2022-04-07.

Allele frequency attached by ClinVar (database versions not stated): gnomAD exomes 0.00004 and 0.00006; ExAC 0.00007; gnomAD 0.00010; TOPMed 0.00011; ESP Exome Variant Server 0.00015.
gnomAD v4.1: 74 of 1,605,344 alleles (0.0046%); highest among the groups gnomAD compares: Middle Eastern, 0.033%; no homozygotes.

Submissions (2):

Labcorp Genetics (formerly Invitae), Labcorp
Classification: Uncertain significance. Last evaluated: 2022-04-07. Review status: criteria provided, single submitter. Criteria: Invitae Variant Classification Sherloc (09022015). Collection method: clinical testing. Allele origin: germline.
Comment: This sequence change replaces arginine, which is basic and polar, with histidine, which is basic and polar, at codon 357 of the CD55 protein (p.Arg357His). This variant is present in population databases (rs148720717, gnomAD 0.03%). This variant has not been reported in the literature in individuals affected with CD55-related conditions. Algorithms developed to predict the effect of missense changes on protein structure and function output the following: SIFT: "Tolerated"; PolyPhen-2: "Benign"; Align-GVGD: "Class C0". The histidine amino acid residue is found in multiple mammalian species, which suggests that this missense change does not adversely affect protein function. In summary, the available evidence is currently insufficient to determine the role of this variant in disease. Therefore, it has been classified as a Variant of Uncertain Significance.

GeneDx
Classification: Uncertain significance. Last evaluated: 2022-01-12. Review status: criteria provided, single submitter. Criteria: GeneDx Variant Classification Process June 2021. Collection method: clinical testing. Allele origin: germline. Affected: yes.
Comment: In silico analysis supports that this missense variant does not alter protein structure/function; Has not been previously published as pathogenic or benign to our knowledge